The following is an entry in ClinVar:

NM_138387.4(G6PC3):c.594C>G (p.Phe198Leu)

Gene: G6PC3 (glucose-6-phosphatase catalytic subunit 3; plus strand). Cytogenetic location: 17q21.31.
Variant type: single nucleotide variant.
Coding change: c.594C>G on transcript NM_138387.4 (MANE Select); coding-DNA position 594, C replaced by G.
Protein change: p.Phe198Leu; replaces phenylalanine 198 with leucine.
Molecular consequence: missense variant.
Genome position (GRCh38, 1-based): chr17:44,075,368, C>G. VCF-style: chr17-44075368-C-G. GRCh37 (hg19) VCF-style: chr17-42152736-C-G.
Other names: c.475C>G, p.Leu159Val (NM_001319945.2); c.249C>G, p.Phe83Leu (NM_001384165.1, NM_001384166.1, NM_001384167.1 and 1 more transcripts); short protein forms F198L, F83L, L159V.
Identifiers: ClinVar variation 5022089 (VCV005022089.1).

ClinVar aggregate classification (germline): Uncertain significance (1 of 4 stars; one submission).

Conditions:
Inborn genetic diseases. Identifiers: MedGen C0950123, MeSH D030342.

Submission:

Ambry Genetics
Classification: Uncertain significance for Inborn genetic diseases. Last evaluated: 2026-07-05. Review status: criteria provided, single submitter. Criteria: Ambry Variant Classification Scheme 2023. Collection method: clinical testing. Allele origin: germline.
Comment: The p.F198L variant (also known as c.594C>G), located in coding exon 5 of the G6PC3 gene, results from a C to G substitution at nucleotide position 594. The phenylalanine at codon 198 is replaced by leucine, an amino acid with highly similar properties. This amino acid position is conserved. In addition, the in silico prediction for this alteration is inconclusive. Based on the available evidence, the clinical significance of this variant remains unclear.